The following is an entry in ClinVar:

NM_001145809.2(MYH14):c.3629G>A (p.Arg1210Gln)

Gene: MYH14 (myosin heavy chain 14; plus strand). Cytogenetic location: 19q13.33.
Variant type: single nucleotide variant.
Coding change: c.3629G>A on transcript NM_001145809.2 (MANE Select); coding-DNA position 3629, G replaced by A.
Protein change: p.Arg1210Gln; replaces arginine 1210 with glutamine.
Molecular consequence: missense variant.
Genome position (GRCh38, 1-based): chr19:50,276,152, G>A. VCF-style: chr19-50276152-G-A. GRCh37 (hg19) VCF-style: chr19-50779409-G-A.
Other names: c.3530G>A, p.Arg1177Gln (NM_001077186.2); c.3506G>A, p.Arg1169Gln (NM_024729.4); c.3629G>A (NM_001145809.1); short protein forms R1169Q, R1210Q, R1177Q.
Identifiers: ClinVar variation 203370 (VCV000203370.2), dbSNP rs794729639, ClinGen allele CA275499.

ClinVar aggregate classification (germline): Uncertain significance. Review status: criteria provided, single submitter (1 of 4 stars). 2 submissions from 2 submitters: Uncertain significance (1). 1 of the submissions does not count toward it. Last evaluated 2024-11-05.

Conditions:
MYH14-related disorder. Also called: MYH14-related condition.
Autosomal dominant nonsyndromic hearing loss 4A. Also called: Deafness, autosomal dominant 4A. Identifiers: Orphanet 90635, MedGen C1833503, MONDO:0010915, OMIM 600652.

Allele frequency attached by ClinVar (database versions not stated): gnomAD exomes below 0.00001 and 0.00001; TOPMed below 0.00001; gnomAD 0.00001.
gnomAD v4.1: 4 of 1,569,272 alleles (0.00025%); highest among the groups gnomAD compares: South Asian, 0.0023%; no homozygotes.

Submissions (2):

PreventionGenetics, part of Exact Sciences
Classification: Uncertain significance for MYH14-related condition. Last evaluated: 2024-11-05. Review status: criteria provided, single submitter. Criteria: ACMG Guidelines, 2015. Collection method: clinical testing. Allele origin: germline.
Comment: The MYH14 c.3629G>A variant is predicted to result in the amino acid substitution p.Arg1210Gln. To our knowledge, this variant has not been reported in the literature. This variant is reported in 0.0042% of alleles in individuals of South Asian descent in gnomAD. At this time, the clinical significance of this variant is uncertain due to the absence of conclusive functional and genetic evidence.

Division of Human Genetics, Children's Hospital of Philadelphia
Classification: Uncertain significance for Deafness, autosomal dominant 4A. Last evaluated: 2015-01-29. Review status: no assertion criteria provided. Collection method: research. Allele origin: paternal. Affected: yes. Study: CSER-PediSeq. Not counted in ClinVar's aggregate classification.
Comment: This test identified a heterozygous variant (c.3506G>A; p.Arg1169Gln) in the MYH14 gene. This gene has been associated with an autosomal dominant hearing loss (DFNA4A;MIM: 600652). This variant is considered a variant of unknown significance, as it is a novel variant that has not been reported in literature and absent in reference databases.